The following is an entry in ClinVar:

ClinVar aggregate classification (germline): Uncertain significance (1 of 4 stars; one submission).

Conditions:
Hereditary cancer-predisposing syndrome. Also called: Tumor predisposition; Hereditary neoplastic syndrome; Neoplastic Syndromes, Hereditary; Hereditary Cancer Syndrome. Identifiers: Orphanet 140162, MedGen C0027672, MeSH D009386, MONDO:0015356.

Submission:

Ambry Genetics
Classification: Uncertain significance for Hereditary cancer-predisposing syndrome. Last evaluated: 2025-04-07. Review status: criteria provided, single submitter. Criteria: Ambry Variant Classification Scheme 2023. Collection method: clinical testing. Allele origin: germline.
Comment: The p.P3209A variant (also known as c.9625C>G), located in coding exon 25 of the BRCA2 gene, results from a C to G substitution at nucleotide position 9625. The proline at codon 3209 is replaced by alanine, an amino acid with highly similar properties. This amino acid position is conserved. In addition, this alteration is predicted to be tolerated by in silico analysis. Based on the available evidence, the clinical significance of this variant remains unclear.

NM_000059.4(BRCA2):c.9625C>G (p.Pro3209Ala)

Gene: BRCA2 (BRCA2 DNA repair associated; plus strand). Cytogenetic location: 13q13.1.
Variant type: single nucleotide variant.
Coding change: c.9625C>G on transcript NM_000059.4 (MANE Select); coding-DNA position 9625, C replaced by G.
Protein change: p.Pro3209Ala; replaces proline 3209 with alanine.
Molecular consequence: missense variant. On other transcripts: non-coding transcript variant (1).
Genome position (GRCh38, 1-based): chr13:32,397,021, C>G. VCF-style: chr13-32397021-C-G. GRCh37 (hg19) VCF-style: chr13-32971158-C-G.
Other names: c.9529C>G, p.Pro3177Ala (NM_001406719.1); c.9574C>G, p.Pro3192Ala (NM_001406720.1); c.4693C>G, p.Pro1565Ala (NM_001406721.1); c.3208C>G, p.Pro1070Ala (NM_001406722.1); c.9625C>G, p.Pro3209Ala (NM_001432077.1); short protein forms P3192A, P1070A, P1565A, P3209A, P3177A.
Identifiers: ClinVar variation 3992794 (VCV003992794.1).
Genomic context (GRCh38, chr13:32,397,021, plus strand): 5'-CCCAAGTGGTCCACCCCAACTAAAGACTGTACTTCAGGGCCGTACACTGCTCAAATCATT[C>G]CTGGTACAGGAAACAAGCTTCTGGTAAGTTAATGTAAACTCAAGGAATATTATAAGAAGT-3'
Protein context (NP_000050.3, residues 3199-3219): TSGPYTAQII[Pro3209Ala]GTGNKLLMSS